The following is an entry in ClinVar:

NM_022051.3(EGLN1):c.418G>A (p.Ala140Thr)

Gene: EGLN1 (egl-9 family hypoxia inducible factor 1; minus strand). Cytogenetic location: 1q42.2.
Variant type: single nucleotide variant.
Coding change: c.418G>A on transcript NM_022051.3 (MANE Select); coding-DNA position 418, G replaced by A.
Protein change: p.Ala140Thr; replaces alanine 140 with threonine.
Molecular consequence: missense variant.
Genome position (GRCh38, 1-based): chr1:231,421,471, C>T on the plus strand (G>A on the coding strand, the complement: EGLN1 is on the minus strand). VCF-style: chr1-231421471-C-T. GRCh37 (hg19) VCF-style: chr1-231557217-C-T.
Other names: c.418G>A, p.Ala140Thr (NM_001377260.1, NM_001377261.1); short protein forms A140T.
Identifiers: ClinVar variation 3274788 (VCV003274788.1).

ClinVar aggregate classification (germline): Uncertain significance (1 of 4 stars; one submission).

Submission:

Ambry Genetics
Classification: Uncertain significance. Last evaluated: 2024-05-04. Review status: criteria provided, single submitter. Criteria: Ambry Variant Classification Scheme 2023. Collection method: clinical testing. Allele origin: germline.
Comment: The p.A140T variant (also known as c.418G>A), located in coding exon 1 of the EGLN1 gene, results from a G to A substitution at nucleotide position 418. The alanine at codon 140 is replaced by threonine, an amino acid with similar properties. This amino acid position is conserved. In addition, this alteration is predicted to be tolerated by in silico analysis. Based on the available evidence, the clinical significance of this variant remains unclear.